The following is an entry in ClinVar:

NM_000051.4(ATM):c.9127_9128insGCCGACTTTTCCCAGGATGGGA (p.Lys3043fs)

Genes: ATM (ATM serine/threonine kinase; plus strand), C11orf65 (chromosome 11 open reading frame 65; minus strand). Cytogenetic location: 11q22.3.
Variant type: Insertion.
Coding change: c.9127_9128insGCCGACTTTTCCCAGGATGGGA on transcript NM_000051.4 (MANE Select); coding-DNA positions 9127 to 9128, GCCGACTTTTCCCAGGATGGGA inserted.
Protein change: p.Lys3043fs; shifts the reading frame from lysine 3043.
Molecular consequence: frameshift variant. On other transcripts: intron variant (2).
Genome position: GRCh38 VCF-style: chr11-108365463-C-CAGCCGACTTTTCCCAGGATGGG. GRCh37 (hg19) VCF-style: chr11-108236190-C-CAGCCGACTTTTCCCAGGATGGG.
Other names: c.9127_9128insGCCGACTTTTCCCAGGATGGGA, p.Lys3043fs (NM_001351834.2); c.640+20456_640+20457insTCCCATCCTGGGAAAAGTCGGC (NM_001330368.2); c.694+20456_694+20457insTCCCATCCTGGGAAAAGTCGGC (NM_001351110.2); short protein forms K3043fs.
Identifiers: ClinVar variation 1069971 (VCV001069971.10), dbSNP rs2137925596, ClinGen allele CA2499220746.

ClinVar aggregate classification (germline): Pathogenic (1 of 4 stars; one submission).

Conditions:
Ataxia-telangiectasia syndrome (AT). Also called: Ataxia telangiectasia (A-T); ATAXIA-TELANGIECTASIA, COMPLEMENTATION GROUP A; ATAXIA-TELANGIECTASIA, FRESNO VARIANT; Ataxia-telangiectasia; Ataxia-telangiectasia, complementation group E; LOUIS-BAR SYNDROME. Identifiers: Orphanet 100, MedGen C0004135, MONDO:0008840, OMIM 208900.

Submission:

Labcorp Genetics (formerly Invitae), Labcorp
Classification: Pathogenic for Ataxia-telangiectasia syndrome. Last evaluated: 2020-08-10. Review status: criteria provided, single submitter. Criteria: Invitae Variant Classification Sherloc (09022015). Collection method: clinical testing. Allele origin: germline.
Comment: This sequence change results in a frameshift in the ATM gene (p.Lys3043Serfs*27). While this is not anticipated to result in nonsense mediated decay, it is expected to disrupt the last 14 amino acids of the ATM protein and extend the protein by an additional 13 amino acids. This variant is not present in population databases (ExAC no frequency). This variant has not been reported in the literature in individuals with ATM-related conditions. Algorithms developed to predict the effect of sequence changes on RNA splicing suggest that this variant may create or strengthen a splice site, but this prediction has not been confirmed by published transcriptional studies. This variant results in an extension of the ATM protein. Other variant(s) that result in a similarly extended protein product (p.Phe3049Profs*13) have been determined to be pathogenic (PMID: 10817650, 19781682, 16603769). This suggests that these extensions are likely to be causative of disease. For these reasons, this variant has been classified as Pathogenic.

Literature cited by the submitters: PubMed 10817650; PubMed 19781682; PubMed 16603769.